The following is an entry in ClinVar:

ClinVar aggregate classification (germline): not provided (0 of 4 stars; one submission).

Allele frequency attached by ClinVar (database versions not stated): TOPMed 0.00073; 1000 Genomes Project 30x 0.00078; gnomAD 0.00078 and 0.00084; 1000 Genomes Project 0.00080; gnomAD exomes 0.00087.
gnomAD v4.1: 542 of 639,936 alleles (0.085%); highest among the groups gnomAD compares: Middle Eastern, 0.37%; 1 homozygote.

Submission:

Human Evolutionary Genetics, Institut Pasteur
No classification provided. Review status: no classification provided. Collection method: not provided. Allele origin: germline.
ClinVar note: Converted during submission from untested to not provided.

NM_000246.4(CIITA):c.3318-176C>T

Gene: CIITA (class II major histocompatibility complex transactivator; plus strand). Cytogenetic location: 16p13.13.
Variant type: single nucleotide variant.
Coding change: c.3318-176C>T on transcript NM_000246.4 (MANE Select); 176 bases into the intron before coding-DNA position 3318, C replaced by T.
Molecular consequence: intron variant.
Genome position (GRCh38, 1-based): chr16:10,923,052, C>T. VCF-style: chr16-10923052-C-T. GRCh37 (hg19) VCF-style: chr16-11016909-C-T.
Other names: c.3321-176C>T (NM_001286402.1, NM_001379332.1); c.3174-176C>T (NM_001379330.1); c.3318-176C>T (NM_001379333.1); c.3171-176C>T (NM_001379331.1); c.1566-176C>T (NM_001286403.2); c.3249-176C>T (NM_001379334.1).
Identifiers: ClinVar variation 103006 (VCV000103006.2), dbSNP rs199476081, ClinGen allele CA229984.